The following is an entry in ClinVar:

ClinVar aggregate classification (germline): Uncertain significance (1 of 4 stars; one submission).

Conditions:
Landau-Kleffner syndrome (FESD). Also called: APHASIA, ACQUIRED, WITH EPILEPSY; EPILEPSY, FOCAL, WITH SPEECH DISORDER AND WITH OR WITHOUT MENTAL RETARDATION. Identifiers: Orphanet 1945, Orphanet 725, Orphanet 98818, MedGen C0282512, MONDO:0009509, OMIM 245570.

Submission:

Labcorp Genetics (formerly Invitae), Labcorp
Classification: Uncertain significance for Landau-Kleffner syndrome. Last evaluated: 2022-01-17. Review status: criteria provided, single submitter. Criteria: Invitae Variant Classification Sherloc (09022015). Collection method: clinical testing. Allele origin: germline.
Comment: In summary, the available evidence is currently insufficient to determine the role of this variant in disease. Therefore, it has been classified as a Variant of Uncertain Significance. Advanced modeling of protein sequence and biophysical properties (such as structural, functional, and spatial information, amino acid conservation, physicochemical variation, residue mobility, and thermodynamic stability) performed at Invitae indicates that this missense variant is expected to disrupt GRIN2A protein function. This missense change has been observed in at least one individual who was not affected with GRIN2A-related conditions (Invitae). This variant has not been reported in the literature in individuals affected with GRIN2A-related conditions. This variant is not present in population databases (gnomAD no frequency). This sequence change replaces leucine, which is neutral and non-polar, with valine, which is neutral and non-polar, at codon 477 of the GRIN2A protein (p.Leu477Val).

NM_001134407.3(GRIN2A):c.1429C>G (p.Leu477Val)

Gene: GRIN2A (glutamate ionotropic receptor NMDA type subunit 2A; minus strand). Cytogenetic location: 16p13.2.
Variant type: single nucleotide variant.
Coding change: c.1429C>G on transcript NM_001134407.3 (MANE Select); coding-DNA position 1429, C replaced by G.
Protein change: p.Leu477Val; replaces leucine 477 with valine.
Molecular consequence: missense variant.
Genome position (GRCh38, 1-based): chr16:9,841,004, G>C on the plus strand (C>G on the coding strand, the complement: GRIN2A is on the minus strand). VCF-style: chr16-9841004-G-C. GRCh37 (hg19) VCF-style: chr16-9934861-G-C.
Other names: c.1429C>G, p.Leu477Val (NM_000833.5, NM_001134408.2); short protein forms L477V.
Identifiers: ClinVar variation 1378143 (VCV001378143.6), dbSNP rs1285260219, ClinGen allele CA394800670.